The following is an entry in ClinVar:

NM_007357.3(COG2):c.860G>A (p.Cys287Tyr)

Gene: COG2 (component of oligomeric golgi complex 2; plus strand). Cytogenetic location: 1q42.2.
Variant type: single nucleotide variant.
Coding change: c.860G>A on transcript NM_007357.3 (MANE Select); coding-DNA position 860, G replaced by A.
Protein change: p.Cys287Tyr; replaces cysteine 287 with tyrosine.
Molecular consequence: missense variant.
Genome position (GRCh38, 1-based): chr1:230,671,601, G>A. VCF-style: chr1-230671601-G-A. GRCh37 (hg19) VCF-style: chr1-230807347-G-A.
Other names: c.860G>A, p.Cys287Tyr (NM_001145036.2); short protein forms C287Y.
Identifiers: ClinVar variation 1417869 (VCV001417869.6), dbSNP rs1413978375, ClinGen allele CA345203617.

ClinVar aggregate classification (germline): Uncertain significance (1 of 4 stars; one submission).

Conditions:
Congenital disorder of glycosylation, type IIq. Also called: CDG IIq. Identifiers: Orphanet 435934, MedGen C4479353, MONDO:0054559, OMIM 617395.

Allele frequency attached by ClinVar (database versions not stated): gnomAD exomes below 0.00001; gnomAD 0.00001; TOPMed 0.00001.

Submission:

Labcorp Genetics (formerly Invitae), Labcorp
Classification: Uncertain significance for Congenital disorder of glycosylation, type IIq. Last evaluated: 2025-03-31. Review status: criteria provided, single submitter. Criteria: Invitae Variant Classification Sherloc (09022015). Collection method: clinical testing. Allele origin: germline.
Comment: This sequence change replaces cysteine, which is neutral and slightly polar, with tyrosine, which is neutral and polar, at codon 287 of the COG2 protein (p.Cys287Tyr). This variant is not present in population databases (gnomAD no frequency). This variant has not been reported in the literature in individuals affected with COG2-related conditions. ClinVar contains an entry for this variant (Variation ID: 1417869). Invitae Evidence Modeling of protein sequence and biophysical properties (such as structural, functional, and spatial information, amino acid conservation, physicochemical variation, residue mobility, and thermodynamic stability) indicates that this missense variant is expected to disrupt COG2 protein function with a positive predictive value of 80%. In summary, the available evidence is currently insufficient to determine the role of this variant in disease. Therefore, it has been classified as a Variant of Uncertain Significance.